The following is an entry in ClinVar:

ClinVar aggregate classification (germline): Uncertain significance. Review status: criteria provided, multiple submitters, no conflicts (2 of 4 stars). 2 submissions from 2 submitters: Uncertain significance (2). Last evaluated 2023-12-20.

gnomAD v4.1: 5 of 1,612,774 alleles (0.00031%); highest among the groups gnomAD compares: Middle Eastern, 0.016%; no homozygotes.

Submissions (2):

Ambry Genetics
Classification: Uncertain significance. Last evaluated: 2023-12-20. Review status: criteria provided, single submitter. Criteria: Ambry Variant Classification Scheme 2023. Collection method: clinical testing. Allele origin: germline.

Labcorp Genetics (formerly Invitae), Labcorp
Classification: Uncertain significance. Last evaluated: 2022-06-15. Review status: criteria provided, single submitter. Criteria: Invitae Variant Classification Sherloc (09022015). Collection method: clinical testing. Allele origin: germline.
Comment: In summary, the available evidence is currently insufficient to determine the role of this variant in disease. Therefore, it has been classified as a Variant of Uncertain Significance. Algorithms developed to predict the effect of missense changes on protein structure and function are either unavailable or do not agree on the potential impact of this missense change (SIFT: "Deleterious"; PolyPhen-2: "Benign"; Align-GVGD: "Class C15"). This variant has not been reported in the literature in individuals affected with SLC39A7-related conditions. This variant is not present in population databases (gnomAD no frequency). This sequence change replaces serine, which is neutral and polar, with isoleucine, which is neutral and non-polar, at codon 255 of the SLC39A7 protein (p.Ser255Ile).

NM_006979.3(SLC39A7):c.764G>T (p.Ser255Ile)

Gene: SLC39A7 (solute carrier family 39 member 7; plus strand). Cytogenetic location: 6p21.32.
Variant type: single nucleotide variant.
Coding change: c.764G>T on transcript NM_006979.3 (MANE Select); coding-DNA position 764, G replaced by T.
Protein change: p.Ser255Ile; replaces serine 255 with isoleucine.
Molecular consequence: missense variant.
Genome position (GRCh38, 1-based): chr6:33,202,392, G>T. VCF-style: chr6-33202392-G-T. GRCh37 (hg19) VCF-style: chr6-33170169-G-T.
Other names: c.764G>T, p.Ser255Ile (NM_001077516.2); c.389G>T, p.Ser130Ile (NM_001288777.2); c.764G>T (NM_006979.2); short protein forms S255I, S130I.
Identifiers: ClinVar variation 2173793 (VCV002173793.4), dbSNP rs772091710, ClinGen allele CA137060332.